The following is an entry in ClinVar:

NM_000540.3(RYR1):c.5227G>A (p.Ala1743Thr)

Gene: RYR1 (ryanodine receptor 1; plus strand). Cytogenetic location: 19q13.2.
Variant type: single nucleotide variant.
Coding change: c.5227G>A on transcript NM_000540.3 (MANE Select); coding-DNA position 5227, G replaced by A.
Protein change: p.Ala1743Thr; replaces alanine 1743 with threonine.
Molecular consequence: missense variant.
Genome position (GRCh38, 1-based): chr19:38,485,882, G>A. VCF-style: chr19-38485882-G-A. GRCh37 (hg19) VCF-style: chr19-38976522-G-A.
Other names: c.5227G>A, p.Ala1743Thr (NM_001042723.2); short protein forms A1743T.
Identifiers: ClinVar variation 2175784 (VCV002175784.4), dbSNP rs1392565021, ClinGen allele CA405654230.

ClinVar aggregate classification (germline): Uncertain significance. Review status: criteria provided, multiple submitters, no conflicts (2 of 4 stars). 3 submissions from 2 submitters: Uncertain significance (3). Last evaluated 2022-03-12.

Conditions:
Central core myopathy (CMYO1A). Also called: CONGENITAL MYOPATHY 1A, AUTOSOMAL DOMINANT, WITH SUSCEPTIBILITY TO MALIGNANT HYPERTHERMIA; Central core disease; Myopathy, central fibrillar. Identifiers: Orphanet 597, MedGen C5830701, MONDO:0007294, OMIM 117000.
Congenital multicore myopathy with external ophthalmoplegia (CMYO1B). Also called: Congenital myopathy 1B, autosomal recessive; Minicore myopathy; MULTIMINICORE DISEASE WITH EXTERNAL OPHTHALMOPLEGIA; MULTICORE MYOPATHY; Minicore myopathy with external ophthalmoplegia. Identifiers: Orphanet 598, Orphanet 98905, MedGen C1850674, MONDO:0009712, OMIM 255320, HP:0003789.
RYR1-related disorder. Also called: RYR1-related condition; RYR1-related disorders. Identifiers: MedGen CN239331.

gnomAD v4.1: 5 of 1,613,512 alleles (0.00031%); highest among the groups gnomAD compares: Admixed American, 0.005%; no homozygotes.

Submissions (3):

Labcorp Genetics (formerly Invitae), Labcorp
Classification: Uncertain significance for RYR1-related disorder. Last evaluated: 2022-03-12. Review status: criteria provided, single submitter. Criteria: Invitae Variant Classification Sherloc (09022015). Collection method: clinical testing. Allele origin: germline.
Comment: In summary, the available evidence is currently insufficient to determine the role of this variant in disease. Therefore, it has been classified as a Variant of Uncertain Significance. Advanced modeling of protein sequence and biophysical properties (such as structural, functional, and spatial information, amino acid conservation, physicochemical variation, residue mobility, and thermodynamic stability) performed at Invitae indicates that this missense variant is not expected to disrupt RYR1 protein function. This variant has not been reported in the literature in individuals affected with RYR1-related conditions. The frequency data for this variant in the population databases is considered unreliable, as metrics indicate poor data quality at this position in the gnomAD database. This sequence change replaces alanine, which is neutral and non-polar, with threonine, which is neutral and polar, at codon 1743 of the RYR1 protein (p.Ala1743Thr).

Neuberg Centre For Genomic Medicine, NCGM
Classification: Uncertain significance for Congenital multicore myopathy with external ophthalmoplegia. Review status: criteria provided, single submitter. Criteria: ACMG Guidelines, 2015. Collection method: clinical testing. Allele origin: germline. Inheritance: Autosomal recessive inheritance. Affected: yes.
Comment: The missense variant c.5227G>A (p.Ala1743Thr) in the RYR1 gene has not been reported previously as a pathogenic variant nor as a benign variant, to our knowledge. This variant is reported with the allele frequency (0.0004%) in the gnomAD Exomes. This variant has been reported to the ClinVar database as Uncertain Significance. However, no details are available for independent assessment. The amino acid Ala at position 1743 is changed to a Thr changing protein sequence and it might alter its composition and physico-chemical properties. Computational evidence (Polyphen, SIFT and MutationTaster) predicts conflicting evidence on protein structure and function for this variant. The amino acid change p.Ala1743Thr in RYR1 is predicted as conserved by GERP++ and PhyloP across 100 vertebrates. For these reasons, this variant has been classified as Uncertain Significance.

Neuberg Centre For Genomic Medicine, NCGM
Classification: Uncertain significance for Central core myopathy. Review status: criteria provided, single submitter. Criteria: ACMG Guidelines, 2015. Collection method: clinical testing. Allele origin: germline. Inheritance: Autosomal dominant inheritance. Affected: yes.
Comment: The observed missense variant c.1280C>T(p.Ser427Leu) in RYR1 gene has been reported previously in compound heterozygous state in an individual with congenital myopathy. Due to unavailability of parental samples further familial analysis was not done in this patient (Wu S, et al., 2006). This variant is absent in gnomAD Exomes. It has been submitted to ClinVar as Pathogenic. However study on multiple affected individuals and functional studies on the pathogenicity of the variant is unavailable. The amino acid Ser at position 427 is changed to a Leu changing protein sequence and it might alter its composition and physico-chemical properties. Computational evidence (Polyphen-Probably damaging, SIFT-Tolerated and MutationTaster-disease causing) predicts conflicting evidence on protein structure and function for this variant. The reference amino acid p.Ser427Leu in RYR1 is predicted as conserved by GERP++ and PhyloP across 100 vertebrates. For these reasons, this variant has been classified as Uncertain Significance.